The following is an entry in ClinVar:

ClinVar aggregate classification (germline): Pathogenic/Likely pathogenic. Review status: criteria provided, multiple submitters, no conflicts (2 of 4 stars). 8 submissions from 8 submitters: Pathogenic (1); Likely pathogenic (5). 2 of the submissions do not count toward it. Last evaluated 2025-11-04.

Conditions:
Usher syndrome. Also called: Usher Syndromes; Usher's syndrome. Identifiers: Orphanet 886, MedGen CN469326, MeSH D052245, MONDO:0019501. Disease mechanism: loss of function.
USH2A-related disorder. Also called: USH2A-related disorders; USH2A-related condition. Identifiers: MedGen CN239332.
Usher syndrome type 2A. Also called: RETINAL DISEASE IN USHER SYNDROME TYPE IIA, MODIFIER OF; USHER SYNDROME, TYPE IIA. Identifiers: Orphanet 231178, Orphanet 886, MedGen C1848634, MONDO:0010169, OMIM 276901.
Retinitis pigmentosa 39 (RP39). Identifiers: Orphanet 791, MedGen C3151138, MONDO:0013436, OMIM 613809.

gnomAD v4.1: 13 of 1,613,056 alleles (0.00081%); highest among the groups gnomAD compares: Non-Finnish European, 0.00093%; no homozygotes.

Submissions (8):

Myriad Genetics, Inc.
Classification: Likely pathogenic for USH2A-related disorder. Last evaluated: 2025-11-04. Review status: criteria provided, single submitter. Criteria: Myriad Autosomal Dominant, Autosomal Recessive and X-Linked Classification Criteria (2023). Collection method: clinical testing. Allele origin: unknown.
Comment: NM_206933.2(USH2A):c.10585G>A(G3529S) is a missense variant classified as likely pathogenic in the context of USH2A-related disorders. G3529S has been observed in cases with relevant disease (PMID: 36819107, 22135276, 25425308, 37261916). Relevant functional assessments of this variant are not available in the literature. G3529S has been observed in referenced population frequency databases. In summary, NM_206933.2(USH2A):c.10585G>A(G3529S) is a missense variant that has been observed more frequently in cases with the relevant disease than in healthy populations. Please note: this variant was assessed in the context of healthy population screening.

Natera, Inc.
Classification: Likely pathogenic for Usher syndrome type 2A. Last evaluated: 2025-08-29. Review status: criteria provided, single submitter. Criteria: Natera Variant Classification Schema (03/2026). Collection method: clinical testing. Allele origin: germline.
Comment: The c.10585G>A variant in USH2A is a missense variant predicted to cause substitution of glycine to serine at amino acid 3529. This variant is rare in the general population with a frequency below the threshold expected for the associated phenotype(s). This variant has been observed in one or more individuals affected with the associated recessive disease, as either homozygous or compound heterozygous with a second variant (PMID: 33089500, 22135276, 36819107). Computational prediction algorithms indicate this variant is likely to affect gene or protein function. Given the available evidence, this variant is classified as Likely Pathogenic.

Women's Health and Genetics/Laboratory Corporation of America, LabCorp
Classification: Likely pathogenic for Usher syndrome. Last evaluated: 2025-06-09. Review status: criteria provided, single submitter. Criteria: LabCorp Variant Classification Summary - May 2015. Collection method: clinical testing. Allele origin: germline.
Comment: Variant summary: USH2A c.10585G>A (p.Gly3529Ser) results in a non-conservative amino acid change in the encoded protein sequence. Algorithms developed to predict the effect of missense changes on protein structure and function are either unavailable or do not agree on the potential impact of this missense change. Several computational tools predict a significant impact on normal splicing: One predict the variant abolishes a 5' splicing donor site. However, these predictions have yet to be confirmed by functional studies. The variant allele was found at a frequency of 4e-06 in 250880 control chromosomes. c.10585G>A has been observed in individuals affected with Usher syndrome and retinitis pigmentosa (e.g., LeQuesneStabej_2012, Panneman_2023, Zein_2014, internal data). These data indicate that the variant is likely to be associated with disease. To our knowledge, no experimental evidence demonstrating an impact on protein function has been reported. The following publications have been ascertained in the context of this evaluation (PMID: 22135276, 36819107, 25425308). ClinVar contains an entry for this variant (Variation ID: 48353). Based on the evidence outlined above, the variant was classified as likely pathogenic.

Labcorp Genetics (formerly Invitae), Labcorp
Classification: Pathogenic. Last evaluated: 2024-10-22. Review status: criteria provided, single submitter. Criteria: Invitae Variant Classification Sherloc (09022015). Collection method: clinical testing. Allele origin: germline.
Comment: This sequence change affects codon 3529 of the USH2A mRNA. It is a 'silent' change, meaning that it does not change the encoded amino acid sequence of the USH2A protein. This variant also falls at the last nucleotide of exon 53, which is part of the consensus splice site for this exon. This variant is not present in population databases (gnomAD no frequency). This variant has been observed in individuals with USH2A-related conditions (PMID: 20507924, 22135276, 25425308; internal data). ClinVar contains an entry for this variant (Variation ID: 48353). An algorithm developed to predict the effect of missense changes on protein structure and function (PolyPhen-2) suggests that this variant is likely to be disruptive. Variants that disrupt the consensus splice site are a relatively common cause of aberrant splicing (PMID: 17576681, 9536098). Algorithms developed to predict the effect of sequence changes on RNA splicing suggest that this variant may disrupt the consensus splice site. For these reasons, this variant has been classified as Pathogenic.

Blueprint Genetics
Classification: Likely pathogenic for USH2A-related disorders. Last evaluated: 2024-04-10. Review status: criteria provided, single submitter. Criteria: ACMG Guidelines, 2015. Collection method: clinical testing. Allele origin: germline. Affected: yes. Observed: 5 variant alleles.

Baylor Genetics
Classification: Likely pathogenic for Retinitis pigmentosa 39. Last evaluated: 2024-03-12. Review status: criteria provided, single submitter. Criteria: ACMG Guidelines, 2015. Collection method: clinical testing. Allele origin: unknown.

Counsyl
Classification: Uncertain significance for Usher syndrome type 2A; Retinitis pigmentosa 39. Last evaluated: 2017-06-13. Review status: no assertion criteria provided. Collection method: clinical testing. Allele origin: unknown. Not counted in ClinVar's aggregate classification.

Laboratory for Molecular Medicine, Mass General Brigham Personalized Medicine
Classification: Uncertain significance. Last evaluated: 2009-08-03. Review status: flagged submission. Criteria: LMM Criteria. Collection method: clinical testing. Allele origin: germline. Observed: 2 variant alleles. Not counted in ClinVar's aggregate classification.
ClinVar note: Reason: Older claim that does not account for recent evidence

Literature cited by the submitters: PubMed 22135276 (cited by 5 submitters); PubMed 25425308 (cited by 3 submitters); PubMed 36819107 (cited by 3 submitters); PubMed 37261916 (cited by Myriad Genetics, Inc.); PubMed 33089500 (cited by Natera, Inc.); PubMed 20507924 (cited by Labcorp Genetics (formerly Invitae), Labcorp and Counsyl); PubMed 17576681 (cited by Labcorp Genetics (formerly Invitae), Labcorp); PubMed 9536098 (cited by Labcorp Genetics (formerly Invitae), Labcorp).

NM_206933.4(USH2A):c.10585G>A (p.Gly3529Ser)

Gene: USH2A (usherin; minus strand). Cytogenetic location: 1q41.
Variant type: single nucleotide variant.
Coding change: c.10585G>A on transcript NM_206933.4 (MANE Select); coding-DNA position 10585, G replaced by A.
Protein change: p.Gly3529Ser; replaces glycine 3529 with serine.
Molecular consequence: missense variant.
Genome position (GRCh38, 1-based): chr1:215,782,738, C>T on the plus strand (G>A on the coding strand, the complement: USH2A is on the minus strand). VCF-style: chr1-215782738-C-T. GRCh37 (hg19) VCF-style: chr1-215956080-C-T.
Other names: short protein forms G3529S.
Identifiers: ClinVar variation 48353 (VCV000048353.17), dbSNP rs111033439, ClinGen allele CA143227.